The following is an entry in ClinVar:

ClinVar aggregate classification (germline): Benign/Likely benign. Review status: criteria provided, multiple submitters, no conflicts (2 of 4 stars). 4 submissions from 4 submitters: Benign (3); Likely benign (1). Last evaluated 2026-01-14.

Conditions:
Noonan syndrome 9 (NS9). Identifiers: Orphanet 648, MedGen C4225282, MONDO:0014691, OMIM 616559.

Allele frequency attached by ClinVar (database versions not stated): ExAC 0.00011; gnomAD exomes 0.00013; gnomAD 0.00038 and 0.00041; 1000 Genomes Project 0.00040; TOPMed 0.00043; 1000 Genomes Project 30x 0.00047; ESP Exome Variant Server 0.00062.
gnomAD v4.1: 90 of 1,071,280 alleles (0.0084%); highest among the groups gnomAD compares: African/African-American, 0.11%; no homozygotes.

Submissions (4):

Labcorp Genetics (formerly Invitae), Labcorp
Classification: Benign for Noonan syndrome 9. Last evaluated: 2026-01-14. Review status: criteria provided, single submitter. Criteria: Invitae Variant Classification Sherloc (09022015). Collection method: clinical testing. Allele origin: germline.

Blueprint Genetics
Classification: Likely benign. Last evaluated: 2022-08-18. Review status: criteria provided, single submitter. Criteria: ACMG Guidelines, 2015. Collection method: clinical testing. Allele origin: germline.

Women's Health and Genetics/Laboratory Corporation of America, LabCorp
Classification: Benign. Last evaluated: 2020-07-27. Review status: criteria provided, single submitter. Criteria: LabCorp Variant Classification Summary - May 2015. Collection method: clinical testing. Allele origin: germline.
Comment: Variant summary: SOS2 c.2959-20T>C alters a conserved nucleotide located close to a canonical splice site and therefore could affect mRNA splicing, leading to a significantly altered protein sequence. 4/4 computational tools predict no significant impact on normal splicing. However, these predictions have yet to be confirmed by functional studies. The variant allele was found at a frequency of 0.00013 in 229644 control chromosomes, predominantly at a frequency of 0.0013 within the African or African-American subpopulation in the gnomAD database. The observed variant frequency within African or African-American control individuals in the gnomAD database is approximately 520 fold of the estimated maximal expected allele frequency for a pathogenic variant in SOS2 causing Noonan Syndrome phenotype (2.5e-06), strongly suggesting that the variant is a benign polymorphism found primarily in populations of African or African-American origin. To our knowledge, no occurrence of c.2959-20T>C in individuals affected with Noonan Syndrome and no experimental evidence demonstrating its impact on protein function have been reported. No clinical diagnostic laboratories have submitted clinical-significance assessments for this variant to ClinVar after 2014. Based on the evidence outlined above, the variant was classified as benign.

Genome-Nilou Lab
Classification: Benign for Noonan syndrome 9. Review status: criteria provided, single submitter. Criteria: ACMG Guidelines, 2015. Collection method: clinical testing. Allele origin: germline.

NM_006939.4(SOS2):c.2959-20T>C

Gene: SOS2 (SOS Ras/Rho guanine nucleotide exchange factor 2; minus strand). Cytogenetic location: 14q21.3.
Variant type: single nucleotide variant.
Coding change: c.2959-20T>C on transcript NM_006939.4 (MANE Select); 20 bases into the intron before coding-DNA position 2959, T replaced by C.
Molecular consequence: intron variant.
Genome position (GRCh38, 1-based): chr14:50,134,259, A>G on the plus strand (T>C on the coding strand, the complement: SOS2 is on the minus strand). VCF-style: chr14-50134259-A-G. GRCh37 (hg19) VCF-style: chr14-50600977-A-G.
Identifiers: ClinVar variation 975014 (VCV000975014.11), dbSNP rs375042033, ClinGen allele CA7176904.